The following is an entry in ClinVar:

ClinVar aggregate classification (germline): Likely benign. Review status: criteria provided, multiple submitters, no conflicts (2 of 4 stars). 3 submissions from 3 submitters: Likely benign (2). 1 of the submissions does not count toward it. Last evaluated 2024-10-09.

Conditions:
SAMD11-related disorder. Also called: SAMD11-related condition.

gnomAD v4.1: 69 of 1,471,810 alleles (0.0047%); highest among the groups gnomAD compares: Admixed American, 0.013%; no homozygotes.

Submissions (3):

Blueprint Genetics
Classification: Likely benign. Last evaluated: 2024-10-09. Review status: criteria provided, single submitter. Criteria: ACMG Guidelines, 2015. Collection method: clinical testing. Allele origin: germline.

Labcorp Genetics (formerly Invitae), Labcorp
Classification: Likely benign. Last evaluated: 2024-05-22. Review status: criteria provided, single submitter. Criteria: Invitae Variant Classification Sherloc (09022015). Collection method: clinical testing. Allele origin: germline.

PreventionGenetics, part of Exact Sciences
Classification: Likely benign for SAMD11-related condition. Last evaluated: 2019-06-26. Review status: no assertion criteria provided. Collection method: clinical testing. Allele origin: germline. Not counted in ClinVar's aggregate classification.
Comment: This variant is classified as likely benign based on ACMG/AMP sequence variant interpretation guidelines (Richards et al. 2015 PMID: 25741868, with internal and published modifications).

NM_001385641.1(SAMD11):c.1725C>G (p.Pro575=)

Gene: SAMD11 (sterile alpha motif domain containing 11; plus strand). Cytogenetic location: 1p36.33.
Variant type: single nucleotide variant.
Coding change: c.1725C>G on transcript NM_001385641.1 (MANE Select); coding-DNA position 1725, C replaced by G.
Protein change: p.Pro575=; no amino-acid change (proline 575 retained).
Molecular consequence: synonymous variant.
Genome position (GRCh38, 1-based): chr1:942,730, C>G. VCF-style: chr1-942730-C-G. GRCh37 (hg19) VCF-style: chr1-878110-C-G.
Other names: c.1728C>G, p.Pro576= (NM_001385640.1); c.1236C>G, p.Pro412= (NM_152486.4); c.1236C>G (NM_152486.2).
Identifiers: ClinVar variation 1110701 (VCV001110701.13), dbSNP rs758006081, ClinGen allele CA16724982.